The following is an entry in ClinVar:

ClinVar aggregate classification (germline): Conflicting classifications of pathogenicity. Review status: criteria provided, conflicting classifications (1 of 4 stars). 2 submissions from 2 submitters: Uncertain significance (1); Benign (1). Last evaluated 2025-01-19.

Conditions:
Tuberous sclerosis 2 (TSC2). Identifiers: Orphanet 805, MedGen C1860707, MONDO:0013199, OMIM 613254.
Hereditary cancer-predisposing syndrome. Also called: Neoplastic Syndromes, Hereditary; Tumor predisposition; Hereditary neoplastic syndrome; Hereditary Cancer Syndrome. Identifiers: Orphanet 140162, MedGen C0027672, MeSH D009386, MONDO:0015356.

Allele frequency attached by ClinVar (database versions not stated): gnomAD 0.00001.
gnomAD v4.1: 4 of 1,612,874 alleles (0.00025%); highest among the groups gnomAD compares: African/African-American, 0.0013%; no homozygotes.

Submissions (2):

Labcorp Genetics (formerly Invitae), Labcorp
Classification: Benign for Tuberous sclerosis 2. Last evaluated: 2025-01-19. Review status: criteria provided, single submitter. Criteria: Invitae Variant Classification Sherloc (09022015). Collection method: clinical testing. Allele origin: germline.

Ambry Genetics
Classification: Uncertain significance for Hereditary cancer-predisposing syndrome. Last evaluated: 2025-01-02. Review status: criteria provided, single submitter. Criteria: Ambry Variant Classification Scheme 2023. Collection method: clinical testing. Allele origin: germline.
Comment: The p.A1011S variant (also known as c.3031G>T), located in coding exon 26 of the TSC2 gene, results from a G to T substitution at nucleotide position 3031. The alanine at codon 1011 is replaced by serine, an amino acid with similar properties. This amino acid position is highly conserved in available vertebrate species. In addition, this alteration is predicted to be deleterious by in silico analysis. Based on the available evidence, the clinical significance of this variant remains unclear.

NM_000548.5(TSC2):c.3031G>T (p.Ala1011Ser)

Gene: TSC2 (TSC complex subunit 2; plus strand). Cytogenetic location: 16p13.3.
Variant type: single nucleotide variant.
Coding change: c.3031G>T on transcript NM_000548.5 (MANE Select); coding-DNA position 3031, G replaced by T.
Protein change: p.Ala1011Ser; replaces alanine 1011 with serine.
Molecular consequence: missense variant.
Genome position (GRCh38, 1-based): chr16:2,079,096, G>T. VCF-style: chr16-2079096-G-T. GRCh37 (hg19) VCF-style: chr16-2129097-G-T.
Other names: c.2899G>T, p.Ala967Ser (NM_001077183.3, NM_001370404.1, NM_001406665.1); c.3031G>T, p.Ala1011Ser (NM_001114382.3); c.2791G>T, p.Ala931Ser (NM_001318827.2); c.2755G>T, p.Ala919Ser (NM_001318829.2); c.2299G>T, p.Ala767Ser (NM_001318831.2, NM_001406687.1, NM_001406688.1); c.2932G>T, p.Ala978Ser (NM_001318832.2); c.2902G>T, p.Ala968Ser (NM_001363528.2, NM_021055.3, NM_001370405.1); c.2881G>T, p.Ala961Ser (NM_001406676.1); and 18 more; short protein forms A811S, A930S, A931S, A563S, A918S, A1010S, A519S, A520S.
Identifiers: ClinVar variation 1799053 (VCV001799053.8), dbSNP rs1430119276, ClinGen allele CA394284033.